The following is an entry in ClinVar:

ClinVar aggregate classification (germline): Likely benign. Review status: criteria provided, multiple submitters, no conflicts (2 of 4 stars). 2 submissions from 2 submitters: Likely benign (2). Last evaluated 2025-12-29.

Conditions:
Hyperammonemia, type III (NAGSD). Also called: Hyperammonemia due to N-acetylglutamate synthase deficiency. Identifiers: Orphanet 927, MedGen C0268543, MONDO:0009377, OMIM 237310.

Allele frequency attached by ClinVar (database versions not stated): gnomAD exomes 0.00005 and 0.00018; ExAC 0.00007; gnomAD 0.00008 and 0.00009; TOPMed 0.00010; ESP Exome Variant Server 0.00015.
gnomAD v4.1: 286 of 1,611,234 alleles (0.018%); highest among the groups gnomAD compares: Non-Finnish European, 0.023%; no homozygotes.

Submissions (2):

Labcorp Genetics (formerly Invitae), Labcorp
Classification: Likely benign for Hyperammonemia, type III. Last evaluated: 2025-12-29. Review status: criteria provided, single submitter. Criteria: Invitae Variant Classification Sherloc (09022015). Collection method: clinical testing. Allele origin: germline.

GeneDx
Classification: Likely benign. Last evaluated: 2017-09-22. Review status: criteria provided, single submitter. Criteria: GeneDx Variant Classification (06012015). Collection method: clinical testing. Allele origin: germline. Affected: yes.
Comment: This variant is considered likely benign or benign based on one or more of the following criteria: it is a conservative change, it occurs at a poorly conserved position in the protein, it is predicted to be benign by multiple in silico algorithms, and/or has population frequency not consistent with disease.

NM_153006.3(NAGS):c.1269-18G>A

Gene: NAGS (N-acetylglutamate synthase; plus strand). Cytogenetic location: 17q21.31.
Variant type: single nucleotide variant.
Coding change: c.1269-18G>A on transcript NM_153006.3 (MANE Select); 18 bases into the intron before coding-DNA position 1269, G replaced by A.
Molecular consequence: intron variant.
Genome position (GRCh38, 1-based): chr17:44,007,573, G>A. VCF-style: chr17-44007573-G-A. GRCh37 (hg19) VCF-style: chr17-42084941-G-A.
Identifiers: ClinVar variation 512039 (VCV000512039.8), dbSNP rs369686713, ClinGen allele CA8595366.